The following is an entry in ClinVar:

ClinVar aggregate classification (germline): Likely benign (1 of 4 stars; one submission).

Conditions:
Dilated cardiomyopathy 3B (CMD3B). Also called: CMD3B: DMD-Related Dilated Cardiomyopathy; CARDIOMYOPATHY, DILATED, X-LINKED; DMD-Associated Dilated Cardiomyopathy. Identifiers: Orphanet 154, MedGen C3668940, MONDO:0010542, OMIM 302045.

Allele frequency attached by ClinVar (database versions not stated): gnomAD exomes 0.00148; gnomAD 0.00255 and 0.00278; 1000 Genomes Project 0.00397.
gnomAD v4.1: 293 of 127,824 alleles (0.23%); highest among the groups gnomAD compares: African/African-American, 0.82%; 1 homozygote.

Submission:

Illumina Laboratory Services, Illumina
Classification: Likely benign for Dilated cardiomyopathy 3B. Last evaluated: 2018-01-13. Review status: criteria provided, single submitter. Criteria: ICSL Variant Classification Criteria 13 December 2019. Collection method: clinical testing. Allele origin: germline.
Comment: This variant was observed in the ICSL laboratory as part of a predisposition screen in an ostensibly healthy population. It had not been previously curated by ICSL or reported in the Human Gene Mutation Database (HGMD: prior to June 1st, 2018), and was therefore a candidate for classification through an automated scoring system. Utilizing variant allele frequency, disease prevalence and penetrance estimates, and inheritance mode, an automated score was calculated to assess if this variant is too frequent to cause the disease. Based on the score and internal cut-off values, a variant classified as likely benign is not then subjected to further curation. The score for this variant resulted in a classification of likely benign for this disease.

NM_004006.3(DMD):c.*477T>C

Gene: DMD (dystrophin; minus strand). Cytogenetic location: Xp21.2.
Variant type: single nucleotide variant.
Coding change: c.*477T>C on transcript NM_004006.3 (MANE Select); 477 bases downstream of the stop codon, T replaced by C.
Molecular consequence: 3 prime UTR variant.
Genome position (GRCh38, 1-based): chrX:31,121,442, A>G on the plus strand (T>C on the coding strand, the complement: DMD is on the minus strand). VCF-style: chrX-31121442-A-G. GRCh37 (hg19) VCF-style: chrX-31139559-A-G.
Other names: c.*477T>C (NM_000109.4, NM_004009.3, NM_004010.3 and 7 more transcripts); c.*391T>C (NM_004016.3, NM_004018.3, NM_004021.3 and 2 more transcripts).
Identifiers: ClinVar variation 368230 (VCV000368230.5), dbSNP rs764294071, ClinGen allele CA10653895.